The following is an entry in ClinVar:

NC_000001.11:g.112956390C>A

Genes: SLC16A1 (solute carrier family 16 member 1; minus strand), LOC129931218 (ATAC-STARR-seq lymphoblastoid silent region 1207; plus strand). Cytogenetic location: 1p13.2.
Variant type: single nucleotide variant.
Genome position: GRCh38 VCF-style: chr1-112956390-C-A. GRCh37 (hg19) VCF-style: chr1-113499012-C-A.
Identifiers: ClinVar variation 3031831 (VCV003031831.2), dbSNP rs1288573878, ClinGen allele CA525541262.

ClinVar aggregate classification (germline): Likely benign (0 of 4 stars; one submission).

Conditions:
SLC16A1-related disorder. Also called: SLC16A1-related condition; SLC16A1-related disorders.

Allele frequency attached by ClinVar (database versions not stated): gnomAD 0.00001; gnomAD exomes 0.00001; TOPMed 0.00001.

Submission:

PreventionGenetics, part of Exact Sciences
Classification: Likely benign for SLC16A1-related condition. Last evaluated: 2020-09-01. Review status: no assertion criteria provided. Collection method: clinical testing. Allele origin: germline.
Comment: This variant is classified as likely benign based on ACMG/AMP sequence variant interpretation guidelines (Richards et al. 2015 PMID: 25741868, with internal and published modifications).